The following is an entry in ClinVar:

NM_007259.5(VPS45):c.857A>G (p.Asn286Ser)

Gene: VPS45 (vacuolar protein sorting 45 homolog; plus strand). Cytogenetic location: 1q21.2.
Variant type: single nucleotide variant.
Coding change: c.857A>G on transcript NM_007259.5 (MANE Select); coding-DNA position 857, A replaced by G.
Protein change: p.Asn286Ser; replaces asparagine 286 with serine.
Molecular consequence: missense variant. On other transcripts: non-coding transcript variant (1).
Genome position (GRCh38, 1-based): chr1:150,081,918, A>G. VCF-style: chr1-150081918-A-G. GRCh37 (hg19) VCF-style: chr1-150054000-A-G.
Other names: c.542A>G, p.Asn181Ser (NM_001279353.2); c.749A>G, p.Asn250Ser (NM_001279354.2); short protein forms N286S, N181S, N250S.
Identifiers: ClinVar variation 864293 (VCV000864293.9), dbSNP rs782164464, ClinGen allele CA1073256.
Genomic context (GRCh38, chr1:150,081,918, plus strand): 5'-TGTGCTTCCAACTTTCTTTTTCACAGAATATGTACCTGAACTTTGCTGAGATTGGTAGCA[A>G]TATAAAGAATCTCATGGAAGATTTTCAGAAGAAGAAACCAAAAGAACAGCAAAAACTAGA-3'
Protein context (NP_009190.2, residues 276-296): MYLNFAEIGS[Asn286Ser]IKNLMEDFQK

ClinVar aggregate classification (germline): Uncertain significance. Review status: criteria provided, single submitter (1 of 4 stars). 2 submissions from 2 submitters: Uncertain significance (1). 1 of the submissions does not count toward it. Last evaluated 2022-07-05.

Conditions:
Congenital neutropenia-myelofibrosis-nephromegaly syndrome. Also called: Severe congenital neutropenia 5, autosomal recessive. Identifiers: Orphanet 369852, MedGen C3809031, MONDO:0014118, OMIM 615285.

Allele frequency attached by ClinVar (database versions not stated): gnomAD exomes below 0.00001 and 0.00001; ExAC 0.00001; gnomAD 0.00001.
gnomAD v4.1: 7 of 1,613,382 alleles (0.00043%); highest among the groups gnomAD compares: Non-Finnish European, 0.00059%; no homozygotes.

Submissions (2):

Labcorp Genetics (formerly Invitae), Labcorp
Classification: Uncertain significance for Congenital neutropenia-myelofibrosis-nephromegaly syndrome. Last evaluated: 2022-07-05. Review status: criteria provided, single submitter. Criteria: Invitae Variant Classification Sherloc (09022015). Collection method: clinical testing. Allele origin: germline.
Comment: This sequence change replaces asparagine, which is neutral and polar, with serine, which is neutral and polar, at codon 286 of the VPS45 protein (p.Asn286Ser). This variant is present in population databases (rs782164464, gnomAD 0.002%). This variant has not been reported in the literature in individuals affected with VPS45-related conditions. ClinVar contains an entry for this variant (Variation ID: 864293). Algorithms developed to predict the effect of missense changes on protein structure and function (SIFT, PolyPhen-2, Align-GVGD) all suggest that this variant is likely to be tolerated. In summary, the available evidence is currently insufficient to determine the role of this variant in disease. Therefore, it has been classified as a Variant of Uncertain Significance.

Natera, Inc.
Classification: Uncertain significance for Autosomal recessive severe congenital neutropenia 5. Last evaluated: 2020-02-26. Review status: no assertion criteria provided. Collection method: clinical testing. Allele origin: germline. Not counted in ClinVar's aggregate classification.